The following is an entry in ClinVar:

ClinVar aggregate classification (germline): Uncertain significance (1 of 4 stars; one submission).

Conditions:
2-aminoadipic 2-oxoadipic aciduria (AAKAD). Also called: Aminoadipic aciduria; ALPHA-AMINOADIPIC AND ALPHA-KETOADIPIC ACIDURIA. Identifiers: Orphanet 79154, MedGen C1859817, MONDO:0008774, OMIM 204750.

gnomAD v4.1: 1 of 1,611,634 alleles (0.000062%); highest among the groups gnomAD compares: Non-Finnish European, 0.000085%; no homozygotes.

Submission:

Labcorp Genetics (formerly Invitae), Labcorp
Classification: Uncertain significance for 2-aminoadipic 2-oxoadipic aciduria. Last evaluated: 2023-11-02. Review status: criteria provided, single submitter. Criteria: Invitae Variant Classification Sherloc (09022015). Collection method: clinical testing. Allele origin: germline.
Comment: This sequence change replaces proline, which is neutral and non-polar, with alanine, which is neutral and non-polar, at codon 766 of the DHTKD1 protein (p.Pro766Ala). This variant is not present in population databases (gnomAD no frequency). This variant has not been reported in the literature in individuals affected with DHTKD1-related conditions. Advanced modeling of protein sequence and biophysical properties (such as structural, functional, and spatial information, amino acid conservation, physicochemical variation, residue mobility, and thermodynamic stability) performed at Invitae indicates that this missense variant is expected to disrupt DHTKD1 protein function with a positive predictive value of 80%. In summary, the available evidence is currently insufficient to determine the role of this variant in disease. Therefore, it has been classified as a Variant of Uncertain Significance.

NM_018706.7(DHTKD1):c.2296C>G (p.Pro766Ala)

Gene: DHTKD1 (dehydrogenase E1 and transketolase domain containing 1; plus strand). Cytogenetic location: 10p14.
Variant type: single nucleotide variant.
Coding change: c.2296C>G on transcript NM_018706.7 (MANE Select); coding-DNA position 2296, C replaced by G.
Protein change: p.Pro766Ala; replaces proline 766 with alanine.
Molecular consequence: missense variant.
Genome position (GRCh38, 1-based): chr10:12,113,041, C>G. VCF-style: chr10-12113041-C-G. GRCh37 (hg19) VCF-style: chr10-12155040-C-G.
Other names: short protein forms P766A.
Identifiers: ClinVar variation 2902329 (VCV002902329.3), dbSNP rs2491513864, ClinGen allele CA376013782.
Genomic context (GRCh38, chr10:12,113,041, plus strand): 5'-TTCCACTTGCTTAGGAGACAGATGGTCCGGAACTTCAGAAAACCACTCATTGTTGCTTCC[C>G]CTAAGATGTTACTCAGGCTCCCGGTAAGCAGAAGGTGGTGAATAAGCCTTCCTCCTTTTG-3'
Protein context (NP_061176.4, residues 756-776): NFRKPLIVAS[Pro766Ala]KMLLRLPAAV